The following is an entry in ClinVar:

ClinVar aggregate classification (germline): Uncertain significance (1 of 4 stars; one submission).

gnomAD v4.1: 3 of 1,614,086 alleles (0.00019%); highest among the groups gnomAD compares: East Asian, 0.0045%; no homozygotes.

Submission:

Ambry Genetics
Classification: Uncertain significance. Last evaluated: 2025-07-05. Review status: criteria provided, single submitter. Criteria: Ambry Variant Classification Scheme 2023. Collection method: clinical testing. Allele origin: germline.
Comment: The p.T108A variant (also known as c.322A>G), located in coding exon 3 of the SRP72 gene, results from an A to G substitution at nucleotide position 322. The threonine at codon 108 is replaced by alanine, an amino acid with similar properties. This amino acid position is conserved. In addition, this alteration is predicted to be tolerated by in silico analysis. Based on the available evidence, the clinical significance of this variant remains unclear.

NM_006947.4(SRP72):c.322A>G (p.Thr108Ala)

Gene: SRP72 (signal recognition particle 72; plus strand). Cytogenetic location: 4q12.
Variant type: single nucleotide variant.
Coding change: c.322A>G on transcript NM_006947.4 (MANE Select); coding-DNA position 322, A replaced by G.
Protein change: p.Thr108Ala; replaces threonine 108 with alanine.
Molecular consequence: missense variant. On other transcripts: non-coding transcript variant (1).
Genome position (GRCh38, 1-based): chr4:56,471,811, A>G. VCF-style: chr4-56471811-A-G. GRCh37 (hg19) VCF-style: chr4-57337977-A-G.
Other names: c.322A>G, p.Thr108Ala (NM_001267722.2); short protein forms T108A.
Identifiers: ClinVar variation 4174922 (VCV004174922.1).